The following is an entry in ClinVar:

ClinVar aggregate classification (germline): Uncertain significance (1 of 4 stars; one submission).

Submission:

Ambry Genetics
Classification: Uncertain significance. Last evaluated: 2025-11-22. Review status: criteria provided, single submitter. Criteria: Ambry Variant Classification Scheme 2023. Collection method: clinical testing. Allele origin: germline.
Comment: The p.T104K variant (also known as c.311C>A), located in coding exon 3 of the RAD51B gene, results from a C to A substitution at nucleotide position 311. The threonine at codon 104 is replaced by lysine, an amino acid with similar properties. This amino acid position is conserved. In addition, this alteration is predicted to be deleterious by in silico analysis. Based on the available evidence, the clinical significance of this variant remains unclear.

NM_133510.4(RAD51B):c.311C>A (p.Thr104Lys)

Gene: RAD51B (RAD51 paralog B; plus strand). Cytogenetic location: 14q24.1.
Variant type: single nucleotide variant.
Coding change: c.311C>A on transcript NM_133510.4 (MANE Select); coding-DNA position 311, C replaced by A.
Protein change: p.Thr104Lys; replaces threonine 104 with lysine.
Molecular consequence: missense variant. On other transcripts: 5 prime UTR variant (1).
Genome position (GRCh38, 1-based): chr14:67,835,192, C>A. VCF-style: chr14-67835192-C-A. GRCh37 (hg19) VCF-style: chr14-68301909-C-A.
Other names: c.311C>A, p.Thr104Lys (NM_001321819.1, NM_001321821.2, NM_002877.6 and 6 more transcripts); c.197C>A, p.Thr66Lys (NM_001321815.1); c.-145C>A (NM_001321817.2); short protein forms T66K, T104K.
Identifiers: ClinVar variation 4575320 (VCV004575320.1).
Genomic context (GRCh38, chr14:67,835,192, plus strand): 5'-CTACTACCCTTTCTGCTTTGGACGAAGCCCTGCATGGTGGTGTGGCTTGTGGATCCCTCA[C>A]AGAGGTAAAGGAAAAATTTTTCGTACCTTCTTCCATTGACCTATAACCTTCAGAGCTAGG-3'
Protein context (NP_598194.1, residues 94-114): LHGGVACGSL[Thr104Lys]EITGPPGCGK